The following is an entry in ClinVar:

ClinVar aggregate classification (germline): Benign (1 of 4 stars; one submission).

Conditions:
Caveolinopathy. Identifiers: Orphanet 207078, MedGen C5679790, MONDO:0016146.

Allele frequency attached by ClinVar (database versions not stated): 1000 Genomes Project 30x 0.00109; 1000 Genomes Project 0.00120; TOPMed 0.00142; gnomAD exomes 0.00211.
gnomAD v4.1: 269 of 152,690 alleles (0.18%); highest among the groups gnomAD compares: Non-Finnish European, 0.26%; no homozygotes.

Submission:

Illumina Laboratory Services, Illumina
Classification: Benign for Caveolinopathy. Last evaluated: 2017-04-27. Review status: criteria provided, single submitter. Criteria: ICSL Variant Classification Criteria 13 December 2019. Collection method: clinical testing. Allele origin: germline.
Comment: This variant was observed as part of a predisposition screen in an ostensibly healthy population. A literature search was performed for the gene, cDNA change, and amino acid change (where applicable). No publications were found based on this search. Allele frequency data from public databases was too high to be consistent with this variant causing disease. Therefore, this variant is classified as benign.

NM_033337.3(CAV3):c.*598G>C

Genes: CAV3 (caveolin 3; plus strand), OXTR (oxytocin receptor; minus strand). Cytogenetic location: 3p25.3.
Variant type: single nucleotide variant.
Coding change: c.*598G>C on transcript NM_033337.3 (MANE Select); 598 bases downstream of the stop codon, G replaced by C.
Molecular consequence: 3 prime UTR variant.
Genome position (GRCh38, 1-based): chr3:8,746,465, G>C. VCF-style: chr3-8746465-G-C. GRCh37 (hg19) VCF-style: chr3-8788151-G-C.
Other names: c.*502G>C (NM_001234.5).
Identifiers: ClinVar variation 903139 (VCV000903139.4), dbSNP rs190490095, ClinGen allele CA69871352.